The following is an entry in ClinVar:

ClinVar aggregate classification (germline): Likely benign. Review status: criteria provided, single submitter (1 of 4 stars). 2 submissions from 2 submitters: Likely benign (1). 1 of the submissions does not count toward it. Last evaluated 2025-03-21.

Conditions:
Isolated microphthalmia 8. Identifiers: Orphanet 2542, MedGen C3554524, MONDO:0014050, OMIM 615113.
ALDH1A3-related disorder. Also called: ALDH1A3-related condition.

Allele frequency attached by ClinVar (database versions not stated): ExAC 0.00020; gnomAD exomes 0.00020 and 0.00045; gnomAD 0.00023 and 0.00026; TOPMed 0.00029; ESP Exome Variant Server 0.00054.

Submissions (2):

Labcorp Genetics (formerly Invitae), Labcorp
Classification: Likely benign for Isolated microphthalmia 8. Last evaluated: 2025-03-21. Review status: criteria provided, single submitter. Criteria: Invitae Variant Classification Sherloc (09022015). Collection method: clinical testing. Allele origin: germline.

PreventionGenetics, part of Exact Sciences
Classification: Likely benign for ALDH1A3-related condition. Last evaluated: 2019-07-01. Review status: no assertion criteria provided. Collection method: clinical testing. Allele origin: germline. Not counted in ClinVar's aggregate classification.
Comment: This variant is classified as likely benign based on ACMG/AMP sequence variant interpretation guidelines (Richards et al. 2015 PMID: 25741868, with internal and published modifications).

NM_000693.4(ALDH1A3):c.1485C>T (p.Ala495=)

Genes: ALDH1A3 (aldehyde dehydrogenase 1 family member A3; plus strand), ALDH1A3-AS1 (ALDH1A3 antisense RNA 1; minus strand). Cytogenetic location: 15q26.3.
Variant type: single nucleotide variant.
Coding change: c.1485C>T on transcript NM_000693.4 (MANE Select); coding-DNA position 1485, C replaced by T.
Protein change: p.Ala495=; no amino-acid change (alanine 495 retained).
Molecular consequence: synonymous variant. On other transcripts: non-coding transcript variant (2).
Genome position (GRCh38, 1-based): chr15:100,914,719, C>T. VCF-style: chr15-100914719-C-T. GRCh37 (hg19) VCF-style: chr15-101454924-C-T.
Other names: c.1164C>T, p.Ala388= (NM_001293815.2).
Identifiers: ClinVar variation 772115 (VCV000772115.7), dbSNP rs367983812, ClinGen allele CA7760420.